The following is an entry in ClinVar:

NM_001244926.2(PRPF4):c.1267A>G (p.Thr423Ala)

Gene: PRPF4 (pre-mRNA splicing tri-snRNP complex factor PRPF4; plus strand). Cytogenetic location: 9q32.
Variant type: single nucleotide variant.
Coding change: c.1267A>G on transcript NM_001244926.2 (MANE Select); coding-DNA position 1267, A replaced by G.
Protein change: p.Thr423Ala; replaces threonine 423 with alanine.
Molecular consequence: missense variant. On other transcripts: non-coding transcript variant (2).
Genome position (GRCh38, 1-based): chr9:113,290,911, A>G. VCF-style: chr9-113290911-A-G. GRCh37 (hg19) VCF-style: chr9-116053191-A-G.
Other names: c.541A>G, p.Thr181Ala (NM_001322266.2, NM_001322267.2); c.1270A>G, p.Thr424Ala (NM_004697.5); short protein forms T424A, T423A, T181A.
Identifiers: ClinVar variation 1952446 (VCV001952446.5), dbSNP rs762005806, ClinGen allele CA5195144.

ClinVar aggregate classification (germline): Uncertain significance (1 of 4 stars; one submission).

Allele frequency attached by ClinVar (database versions not stated): gnomAD exomes below 0.00001; ExAC 0.00001.
gnomAD v4.1: 3 of 1,614,200 alleles (0.00019%); highest among the groups gnomAD compares: East Asian, 0.0022%; no homozygotes.

Submission:

Labcorp Genetics (formerly Invitae), Labcorp
Classification: Uncertain significance. Last evaluated: 2022-06-08. Review status: criteria provided, single submitter. Criteria: Invitae Variant Classification Sherloc (09022015). Collection method: clinical testing. Allele origin: germline.
Comment: In summary, the available evidence is currently insufficient to determine the role of this variant in disease. Therefore, it has been classified as a Variant of Uncertain Significance. This sequence change replaces threonine, which is neutral and polar, with alanine, which is neutral and non-polar, at codon 424 of the PRPF4 protein (p.Thr424Ala). This variant is not present in population databases (gnomAD no frequency). This variant has not been reported in the literature in individuals affected with PRPF4-related conditions. Algorithms developed to predict the effect of missense changes on protein structure and function are either unavailable or do not agree on the potential impact of this missense change (SIFT: "Tolerated"; PolyPhen-2: "Probably Damaging"; Align-GVGD: "Class C0").